The following is an entry in ClinVar:

NM_001370259.2(MEN1):c.818T>C (p.Leu273Pro)

Gene: MEN1 (menin 1; minus strand). Cytogenetic location: 11q13.1.
Variant type: single nucleotide variant.
Coding change: c.818T>C on transcript NM_001370259.2 (MANE Select); coding-DNA position 818, T replaced by C.
Protein change: p.Leu273Pro; replaces leucine 273 with proline.
Molecular consequence: missense variant.
Genome position (GRCh38, 1-based): chr11:64,807,185, A>G on the plus strand (T>C on the coding strand, the complement: MEN1 is on the minus strand). VCF-style: chr11-64807185-A-G. GRCh37 (hg19) VCF-style: chr11-64574657-A-G.
Other names: c.833T>C, p.Leu278Pro (NM_000244.4, NM_130800.3, NM_130801.3 and 3 more transcripts); c.818T>C, p.Leu273Pro (NM_001370251.2, NM_001370260.2, NM_001370261.2 and 1 more transcripts); c.713T>C, p.Leu238Pro (NM_001370262.2, NM_001370263.2); short protein forms L273P, L238P, L278P.
Identifiers: ClinVar variation 649498 (VCV000649498.36), dbSNP rs1592647281, ClinGen allele CA16044440.

ClinVar aggregate classification (germline): Conflicting classifications of pathogenicity. Review status: criteria provided, conflicting classifications (1 of 4 stars). 4 submissions from 4 submitters: Likely pathogenic (3); Uncertain significance (1). Last evaluated 2025-11-01.

Conditions:
Multiple endocrine neoplasia, type 1 (MEN1). Also called: Endocrine adenomatosis multiple; MEN 1; MEA I; MEN I; WERMER SYNDROME. Identifiers: Orphanet 652, MedGen C0025267, MeSH D018761, MONDO:0007540, OMIM 131100.

Submissions (4):

CeGaT Center for Human Genetics Tuebingen
Classification: Likely pathogenic. Last evaluated: 2025-11-01. Review status: criteria provided, single submitter. Criteria: CeGaT Center For Human Genetics Tuebingen Variant Classification Criteria Version 2. Collection method: clinical testing. Allele origin: germline. Affected: yes. Observed: 2 variant alleles.
Comment: MEN1: PP1:Strong, PM2

Laboratory of Molecular and Cytogenetics, Department of Anatomy, All India Institute of Medical Sciences (AIIMS)
Classification: Likely pathogenic for Multiple endocrine neoplasia, type 1. Last evaluated: 2023-04-10. Review status: criteria provided, single submitter. Criteria: ACMG Guidelines, 2015. Collection method: clinical testing. Allele origin: germline. Affected: yes.

Labcorp Genetics (formerly Invitae), Labcorp
Classification: Uncertain significance for Multiple endocrine neoplasia, type 1. Last evaluated: 2018-12-13. Review status: criteria provided, single submitter. Criteria: Invitae Variant Classification Sherloc (09022015). Collection method: clinical testing. Allele origin: germline.
Comment: In summary, the available evidence is currently insufficient to determine the role of this variant in disease. Therefore, it has been classified as a Variant of Uncertain Significance. Algorithms developed to predict the effect of missense changes on protein structure and function (SIFT, PolyPhen-2, Align-GVGD) all suggest that this variant is likely to be disruptive, but these predictions have not been confirmed by published functional studies and their clinical significance is uncertain. This variant has been observed to segregate with multiple endocrine neoplasia type 1 in a family (PMID: 11435815). This variant is also known as 5211T>C in the literature. This variant is not present in population databases (ExAC no frequency). This sequence change replaces leucine with proline at codon 273 of the MEN1 protein (p.Leu273Pro). The leucine residue is highly conserved and there is a moderate physicochemical difference between leucine and proline.

Clinical Genetics and Genomics, Karolinska University Hospital
Classification: Likely pathogenic. Last evaluated: 2014-07-07. Review status: criteria provided, single submitter. Criteria: ACMG Guidelines, 2015. Collection method: clinical testing. Allele origin: germline. Affected: yes. Observed: 2 variant alleles.

Literature cited by the submitters: PubMed 11435815 (cited by Labcorp Genetics (formerly Invitae), Labcorp).